The following is an entry in ClinVar:

NM_017849.4(TMEM127):c.251G>T (p.Cys84Phe)

Gene: TMEM127 (transmembrane protein 127; minus strand). Cytogenetic location: 2q11.2.
Variant type: single nucleotide variant.
Coding change: c.251G>T on transcript NM_017849.4 (MANE Select); coding-DNA position 251, G replaced by T.
Protein change: p.Cys84Phe; replaces cysteine 84 with phenylalanine.
Molecular consequence: missense variant.
Genome position (GRCh38, 1-based): chr2:96,254,991, C>A on the plus strand (G>T on the coding strand, the complement: TMEM127 is on the minus strand). VCF-style: chr2-96254991-C-A. GRCh37 (hg19) VCF-style: chr2-96920729-C-A.
Other names: c.251G>T, p.Cys84Phe (NM_001193304.3); c.251G>T (NM_017849.3); short protein forms C84F.
Identifiers: ClinVar variation 1349300 (VCV001349300.7), dbSNP rs1684175500, ClinGen allele CA347653692.

ClinVar aggregate classification (germline): Uncertain significance. Review status: criteria provided, multiple submitters, no conflicts (2 of 4 stars). 2 submissions from 2 submitters: Uncertain significance (2). Last evaluated 2026-04-22.

Conditions:
Hereditary pheochromocytoma and paraganglioma. Also called: Hereditary paragangliomas and pheochromocytomas; Hereditary pheochromocytoma-paraganglioma; Hereditary Paraganglioma-Pheochromocytoma Syndromes. Identifiers: Orphanet 29072, MedGen C4274332, MONDO:0017366.
Hereditary cancer-predisposing syndrome. Also called: Neoplastic Syndromes, Hereditary; Tumor predisposition; Hereditary Cancer Syndrome; Hereditary neoplastic syndrome. Identifiers: Orphanet 140162, MedGen C0027672, MeSH D009386, MONDO:0015356.

Submissions (2):

Ambry Genetics
Classification: Uncertain significance for Hereditary cancer-predisposing syndrome. Last evaluated: 2026-04-22. Review status: criteria provided, single submitter. Criteria: Ambry Variant Classification Scheme 2023. Collection method: clinical testing. Allele origin: germline.
Comment: The p.C84F variant (also known as c.251G>T), located in coding exon 2 of the TMEM127 gene, results from a G to T substitution at nucleotide position 251. The cysteine at codon 84 is replaced by phenylalanine, an amino acid with highly dissimilar properties. This amino acid position is conserved. In addition, this alteration is predicted to be deleterious by in silico analysis. Based on the available evidence, the clinical significance of this variant remains unclear.

Labcorp Genetics (formerly Invitae), Labcorp
Classification: Uncertain significance for Hereditary pheochromocytoma and paraganglioma. Last evaluated: 2021-10-12. Review status: criteria provided, single submitter. Criteria: Invitae Variant Classification Sherloc (09022015). Collection method: clinical testing. Allele origin: germline.
Comment: This variant has not been reported in the literature in individuals affected with TMEM127-related conditions. This variant is not present in population databases (ExAC no frequency). This sequence change replaces cysteine with phenylalanine at codon 84 of the TMEM127 protein (p.Cys84Phe). The cysteine residue is highly conserved and there is a large physicochemical difference between cysteine and phenylalanine. In summary, the available evidence is currently insufficient to determine the role of this variant in disease. Therefore, it has been classified as a Variant of Uncertain Significance. Algorithms developed to predict the effect of missense changes on protein structure and function (SIFT, PolyPhen-2, Align-GVGD) all suggest that this variant is likely to be disruptive.